The following is an entry in ClinVar:

ClinVar aggregate classification (germline): Likely benign (0 of 4 stars; one submission).

Conditions:
DYSF-related disorder. Also called: DYSF-related condition; DYSF-related disorders.

Submission:

PreventionGenetics, part of Exact Sciences
Classification: Likely benign for DYSF-related condition. Last evaluated: 2023-12-15. Review status: no assertion criteria provided. Collection method: clinical testing. Allele origin: germline.
Comment: This variant is classified as likely benign based on ACMG/AMP sequence variant interpretation guidelines (Richards et al. 2015 PMID: 25741868, with internal and published modifications).

NM_001130987.2(DYSF):c.5003+1241A>G

Gene: DYSF (dysferlin; plus strand). Cytogenetic location: 2p13.2.
Variant type: single nucleotide variant.
Coding change: c.5003+1241A>G on transcript NM_001130987.2 (MANE Select); 1241 bases into the intron after coding-DNA position 5003, A replaced by G.
Molecular consequence: intron variant.
Genome position (GRCh38, 1-based): chr2:71,661,892, A>G. VCF-style: chr2-71661892-A-G. GRCh37 (hg19) VCF-style: chr2-71889022-A-G.
Other names: c.4979+1241A>G (NM_001130979.2); c.5000+1241A>G (NM_001130981.2); c.4937+1241A>G (NM_001130980.2); c.4949+1241A>G (NM_001130978.2); c.4886+1241A>G (NM_003494.4); c.4907+1241A>G (NM_001130977.2); c.4844+1241A>G (NM_001130976.2); c.4982+1241A>G (NM_001130982.2); and 5 more.
Identifiers: ClinVar variation 3029502 (VCV003029502.2), dbSNP rs2094887873, ClinGen allele CA2740095630.
Genomic context (GRCh38, chr2:71,661,892, plus strand): 5'-GAAATGCAGCTTTTGAAGGTGAACCAGCCCTGGCCAGTGATGAGCTCCCACCAAGCAGGG[A>G]TTGGAGGGAAGTGGTAGGTGGGAGAGAGGAACTCTGTATGAGTTCCAGGGGCTGGCGAGC-3'